The following is an entry in ClinVar:

NM_152383.5(DIS3L2):c.519C>T (p.Ser173=)

Gene: DIS3L2 (DIS3 like 3'-5' exoribonuclease 2; plus strand). Cytogenetic location: 2q37.1.
Variant type: single nucleotide variant.
Coding change: c.519C>T on transcript NM_152383.5 (MANE Select); coding-DNA position 519, C replaced by T.
Protein change: p.Ser173=; no amino-acid change (serine 173 retained).
Molecular consequence: synonymous variant. On other transcripts: non-coding transcript variant (2).
Genome position (GRCh38, 1-based): chr2:232,087,639, C>T. VCF-style: chr2-232087639-C-T. GRCh37 (hg19) VCF-style: chr2-232952349-C-T.
Other names: c.519C>T, p.Ser173= (NM_001257281.2, NM_001257282.2).
Identifiers: ClinVar variation 334931 (VCV000334931.40), dbSNP rs143680532, ClinGen allele CA2163838.

ClinVar aggregate classification (germline): Conflicting classifications of pathogenicity. Review status: criteria provided, conflicting classifications (1 of 4 stars). 3 submissions from 3 submitters: Uncertain significance (1); Likely benign (2). Last evaluated 2025-11-10.

Conditions:
Perlman syndrome (PRLMNS). Identifiers: Orphanet 2849, MedGen C0796113, MONDO:0009965, OMIM 267000.

Allele frequency attached by ClinVar (database versions not stated): gnomAD 0.00002 and 0.00007; TOPMed 0.00002; gnomAD exomes 0.00004 and 0.00006; ExAC 0.00009; 1000 Genomes Project 30x 0.00031; 1000 Genomes Project 0.00040.
gnomAD v4.1: 100 of 1,614,048 alleles (0.0062%); highest among the groups gnomAD compares: East Asian, 0.19%; no homozygotes.

Submissions (3):

Labcorp Genetics (formerly Invitae), Labcorp
Classification: Likely benign for Perlman syndrome. Last evaluated: 2025-11-10. Review status: criteria provided, single submitter. Criteria: Invitae Variant Classification Sherloc (09022015). Collection method: clinical testing. Allele origin: germline.

CeGaT Center for Human Genetics Tuebingen
Classification: Likely benign. Last evaluated: 2022-05-01. Review status: criteria provided, single submitter. Criteria: CeGaT Center For Human Genetics Tuebingen Variant Classification Criteria Version 2. Collection method: clinical testing. Allele origin: germline. Affected: yes. Observed: 1 variant allele.
Comment: DIS3L2: BP4, BP7

Illumina Laboratory Services, Illumina
Classification: Uncertain significance for Perlman syndrome. Last evaluated: 2018-01-12. Review status: criteria provided, single submitter. Criteria: ICSL Variant Classification Criteria 13 December 2019. Collection method: clinical testing. Allele origin: germline.